The following is an entry in ClinVar:

NM_005051.3(QARS1):c.425dup (p.Tyr142Ter)

Gene: QARS1 (glutaminyl-tRNA synthetase 1; minus strand). Cytogenetic location: 3p21.31.
Variant type: Duplication.
Coding change: c.425dup on transcript NM_005051.3 (MANE Select); coding-DNA position 425, one base duplicated (A; older notation c.425dupA).
Protein change: p.Tyr142Ter; replaces tyrosine 142 with a stop codon.
Molecular consequence: nonsense. On other transcripts: non-coding transcript variant (1).
Genome position (GRCh38, 1-based): chr3:49,103,657, T duplicated on the plus strand (A on the coding strand, the reverse complement: QARS1 is on the minus strand). VCF-style (leftmost placement, unchanged base first): chr3-49103656-G-GT. GRCh37 (hg19) VCF-style: chr3-49141089-G-GT.
Other names: c.392dup, p.Tyr131Ter (NM_001272073.2); short protein forms Y131*, Y142*.
Identifiers: ClinVar variation 957907 (VCV000957907.6), dbSNP rs2042500119, ClinGen allele CA1139658065.
Genomic context (GRCh38, chr3:49,103,656, plus strand): 5'-GAGAACAATATAGCCCCGTTCCAGGCCCTGCTCACCCATCAGCAGCCCCATGTTGAAATG[G>GT]TAACGTTCCACCAGGAGCTGGGGCCGGTGCCTGTTAATAGCAGCCTCCACCTGCAGAAAG-3'

ClinVar aggregate classification (germline): Pathogenic (1 of 4 stars; one submission).

Conditions:
Diffuse cerebral and cerebellar atrophy - intractable seizures - progressive microcephaly syndrome. Also called: Microcephaly, progressive, with seizures and cerebral and cerebellar atrophy. Identifiers: Orphanet 404437, MedGen C4014239, MONDO:0014335, OMIM 615760.

Submission:

Labcorp Genetics (formerly Invitae), Labcorp
Classification: Pathogenic for Diffuse cerebral and cerebellar atrophy - intractable seizures - progressive microcephaly syndrome. Last evaluated: 2022-11-15. Review status: criteria provided, single submitter. Criteria: Invitae Variant Classification Sherloc (09022015). Collection method: clinical testing. Allele origin: germline.
Comment: For these reasons, this variant has been classified as Pathogenic. ClinVar contains an entry for this variant (Variation ID: 957907). This variant has not been reported in the literature in individuals affected with QARS-related conditions. This variant is not present in population databases (gnomAD no frequency). This sequence change creates a premature translational stop signal (p.Tyr142*) in the QARS gene. It is expected to result in an absent or disrupted protein product. Loss-of-function variants in QARS are known to be pathogenic (PMID: 24656866, 25471517).

Literature cited by the submitters: PubMed 24656866; PubMed 25471517.